The following is an entry in ClinVar:

ClinVar aggregate classification (germline): Uncertain significance (1 of 4 stars; one submission).

Conditions:
Ullrich congenital muscular dystrophy 2 (UCMD2). Identifiers: Orphanet 75840, MedGen C4225314, MONDO:0014654, OMIM 616470.
Bethlem myopathy 2 (BTHLM2). Identifiers: Orphanet 536516, Orphanet 610, MedGen C4225313, MONDO:0034022, OMIM 616471.

Submission:

Labcorp Genetics (formerly Invitae), Labcorp
Classification: Uncertain significance for Bethlem myopathy 2; Ullrich congenital muscular dystrophy 2. Last evaluated: 2024-06-19. Review status: criteria provided, single submitter. Criteria: Invitae Variant Classification Sherloc (09022015). Collection method: clinical testing. Allele origin: germline.
Comment: This sequence change replaces glutamine, which is neutral and polar, with lysine, which is basic and polar, at codon 1649 of the COL12A1 protein (p.Gln1649Lys). This variant is not present in population databases (gnomAD no frequency). This variant has not been reported in the literature in individuals affected with COL12A1-related conditions. Advanced modeling of protein sequence and biophysical properties (such as structural, functional, and spatial information, amino acid conservation, physicochemical variation, residue mobility, and thermodynamic stability) performed at Invitae indicates that this missense variant is not expected to disrupt COL12A1 protein function with a negative predictive value of 80%. In summary, the available evidence is currently insufficient to determine the role of this variant in disease. Therefore, it has been classified as a Variant of Uncertain Significance.

NM_004370.6(COL12A1):c.4945C>A (p.Gln1649Lys)

Gene: COL12A1 (collagen type XII alpha 1 chain; minus strand). Cytogenetic location: 6q13.
Variant type: single nucleotide variant.
Coding change: c.4945C>A on transcript NM_004370.6 (MANE Select); coding-DNA position 4945, C replaced by A.
Protein change: p.Gln1649Lys; replaces glutamine 1649 with lysine.
Molecular consequence: missense variant.
Genome position (GRCh38, 1-based): chr6:75,142,044, G>T on the plus strand (C>A on the coding strand, the complement: COL12A1 is on the minus strand). VCF-style: chr6-75142044-G-T. GRCh37 (hg19) VCF-style: chr6-75851760-G-T.
Other names: c.4945C>A, p.Gln1649Lys (NM_001424113.1, NM_001424114.1); c.4672C>A, p.Gln1558Lys (NM_001424115.1); c.1453C>A, p.Gln485Lys (NM_001424116.1, NM_080645.3); short protein forms Q1558K, Q1649K, Q485K.
Identifiers: ClinVar variation 3756889 (VCV003756889.2).